The following is an entry in ClinVar:

ClinVar aggregate classification (germline): Benign (1 of 4 stars; one submission).

Conditions:
Retinitis pigmentosa (RP). Identifiers: Orphanet 791, MedGen C0035334, MeSH D012174, MONDO:0019200, OMIM 268000. Inheritance: Autosomal dominant, autosomal recessive and X linked inheritance.

Allele frequency attached by ClinVar (database versions not stated): gnomAD 0.00011 and 0.00152; TOPMed 0.00037; gnomAD exomes 0.00094; 1000 Genomes Project 0.00839; 1000 Genomes Project 30x 0.00843.
gnomAD v4.1: 497 of 426,294 alleles (0.12%); highest among the groups gnomAD compares: South Asian, 4%; 10 homozygotes.

Submission:

Illumina Laboratory Services, Illumina
Classification: Benign for Retinitis pigmentosa. Last evaluated: 2018-01-12. Review status: criteria provided, single submitter. Criteria: ICSL Variant Classification Criteria 13 December 2019. Collection method: clinical testing. Allele origin: germline.
Comment: This variant was observed in the ICSL laboratory as part of a predisposition screen in an ostensibly healthy population. It had not been previously curated by ICSL or reported in the Human Gene Mutation Database (HGMD: prior to June 1st, 2018), and was therefore a candidate for classification through an automated scoring system. Utilizing variant allele frequency, disease prevalence and penetrance estimates, and inheritance mode, an automated score was calculated to assess if this variant is too frequent to cause the disease. Based on the score and internal cut-off values, a variant classified as benign is not then subjected to further curation. The score for this variant resulted in a classification of benign for this disease.

NM_001354768.3(NRL):c.*173A>T

Gene: NRL (neural retina leucine zipper; minus strand). Cytogenetic location: 14q11.2.
Variant type: single nucleotide variant.
Coding change: c.*173A>T on transcript NM_001354768.3 (MANE Select); 173 bases downstream of the stop codon, A replaced by T.
Molecular consequence: 3 prime UTR variant.
Genome position (GRCh38, 1-based): chr14:24,081,063, T>A on the plus strand (A>T on the coding strand, the complement: NRL is on the minus strand). VCF-style: chr14-24081063-T-A. GRCh37 (hg19) VCF-style: chr14-24550272-T-A.
Other names: c.*173A>T (NM_001354769.1, NM_001354770.2, NM_006177.5).
Identifiers: ClinVar variation 312937 (VCV000312937.5), dbSNP rs540751400, ClinGen allele CA10640011.
Genomic context (GRCh38, chr14:24,081,063, plus strand): 5'-TGGGCTGGGTTTCTGTGTTCGTAAGGGGAGGGGACCCCTCTCCAGAAAATGACCAGCATC[T>A]AAATTCGGGCATGACTTGAGGACCCAAAAGCTTTGGGGATATTTGCGCGGTCATACAGGG-3'